The following is an entry in ClinVar:

NM_000363.5(TNNI3):c.121A>G (p.Ile41Val)

Gene: TNNI3 (troponin I3, cardiac type; minus strand). Cytogenetic location: 19q13.42.
Variant type: single nucleotide variant.
Coding change: c.121A>G on transcript NM_000363.5 (MANE Select); coding-DNA position 121, A replaced by G.
Protein change: p.Ile41Val; replaces isoleucine 41 with valine.
Molecular consequence: missense variant.
Genome position (GRCh38, 1-based): chr19:55,156,632, T>C on the plus strand (A>G on the coding strand, the complement: TNNI3 is on the minus strand). VCF-style: chr19-55156632-T-C. GRCh37 (hg19) VCF-style: chr19-55668000-T-C.
Other names: short protein forms I41V.
Identifiers: ClinVar variation 2107652 (VCV002107652.2), dbSNP rs2515502445, ClinGen allele CA407442462.

ClinVar aggregate classification (germline): Uncertain significance. Review status: criteria provided, multiple submitters, no conflicts (2 of 4 stars). 2 submissions from 2 submitters: Uncertain significance (2). Last evaluated 2025-05-12.

Conditions:
Cardiomyopathy (CMYO). Also called: Cardiomyopathies. Identifiers: Orphanet 167848, MedGen C0878544, MONDO:0004994, HP:0001638. Inheritance: Various modes of inheritance.
Hypertrophic cardiomyopathy. Also called: HYPERTROPHIC MYOCARDIOPATHY. Identifiers: Orphanet 217569, MedGen C0007194, MeSH D002312, MONDO:0005045, HP:0001639.

Allele frequency attached by ClinVar (database versions not stated): gnomAD exomes below 0.00001.
gnomAD v4.1: 1 of 1,565,222 alleles (0.000064%); highest among the groups gnomAD compares: East Asian, 0.0024%; no homozygotes.

Submissions (2):

Color Diagnostics, LLC DBA Color Health
Classification: Uncertain significance for Cardiomyopathy. Last evaluated: 2025-05-12. Review status: criteria provided, single submitter. Criteria: ACMG Guidelines, 2015. Collection method: clinical testing. Allele origin: germline.
Comment: This missense variant replaces isoleucine with valine at codon 41 of the TNNI3 protein. Computational prediction is inconclusive regarding the impact of this variant on protein structure and function. To our knowledge, functional studies have not been reported for this variant. This variant has not been reported in individuals affected with TNNI3-related disorders in the literature. This variant has not been identified in the general population by the Genome Aggregation Database (gnomAD). The available evidence is insufficient to determine the role of this variant in disease conclusively. Therefore, this variant is classified as a Variant of Uncertain Significance.

Labcorp Genetics (formerly Invitae), Labcorp
Classification: Uncertain significance for Hypertrophic cardiomyopathy. Last evaluated: 2022-04-28. Review status: criteria provided, single submitter. Criteria: Invitae Variant Classification Sherloc (09022015). Collection method: clinical testing. Allele origin: germline.
Comment: This sequence change replaces isoleucine, which is neutral and non-polar, with valine, which is neutral and non-polar, at codon 41 of the TNNI3 protein (p.Ile41Val). This variant is not present in population databases (gnomAD no frequency). This variant has not been reported in the literature in individuals affected with TNNI3-related conditions. Algorithms developed to predict the effect of missense changes on protein structure and function are either unavailable or do not agree on the potential impact of this missense change (SIFT: "Deleterious"; PolyPhen-2: "Benign"; Align-GVGD: "Class C0"). In summary, the available evidence is currently insufficient to determine the role of this variant in disease. Therefore, it has been classified as a Variant of Uncertain Significance.